The following is an entry in ClinVar:

NM_006231.4(POLE):c.1737C>T (p.Arg579=)

Gene: POLE (DNA polymerase epsilon, catalytic subunit; minus strand). Cytogenetic location: 12q24.33.
Variant type: single nucleotide variant.
Coding change: c.1737C>T on transcript NM_006231.4 (MANE Select); coding-DNA position 1737, C replaced by T.
Protein change: p.Arg579=; no amino-acid change (arginine 579 retained).
Molecular consequence: synonymous variant.
Genome position (GRCh38, 1-based): chr12:132,672,272, G>A on the plus strand (C>T on the coding strand, the complement: POLE is on the minus strand). VCF-style: chr12-132672272-G-A. GRCh37 (hg19) VCF-style: chr12-133248858-G-A.
Identifiers: ClinVar variation 389080 (VCV000389080.9), dbSNP rs1057523317, ClinGen allele CA16607159.

ClinVar aggregate classification (germline): Likely benign. Review status: criteria provided, multiple submitters, no conflicts (2 of 4 stars). 3 submissions from 3 submitters: Likely benign (3). Last evaluated 2026-02-24.

Conditions:
Hereditary cancer-predisposing syndrome. Also called: Neoplastic Syndromes, Hereditary; Tumor predisposition; Hereditary neoplastic syndrome; Hereditary Cancer Syndrome. Identifiers: Orphanet 140162, MedGen C0027672, MeSH D009386, MONDO:0015356.

Allele frequency attached by ClinVar (database versions not stated): gnomAD exomes 0.00001 and below 0.00001.
gnomAD v4.1: 7 of 1,614,204 alleles (0.00043%); highest among the groups gnomAD compares: Admixed American, 0.005%; no homozygotes.

Submissions (3):

Ambry Genetics
Classification: Likely benign for Hereditary cancer-predisposing syndrome. Last evaluated: 2026-02-24. Review status: criteria provided, single submitter. Criteria: Ambry Variant Classification Scheme 2023. Collection method: clinical testing. Allele origin: germline.

Labcorp Genetics (formerly Invitae), Labcorp
Classification: Likely benign. Last evaluated: 2023-10-12. Review status: criteria provided, single submitter. Criteria: Invitae Variant Classification Sherloc (09022015). Collection method: clinical testing. Allele origin: germline.

GeneDx
Classification: Likely benign. Last evaluated: 2016-09-01. Review status: criteria provided, single submitter. Criteria: GeneDx Variant Classification (06012015). Collection method: clinical testing. Allele origin: germline. Affected: yes.
Comment: This variant is considered likely benign or benign based on one or more of the following criteria: it is a conservative change, it occurs at a poorly conserved position in the protein, it is predicted to be benign by multiple in silico algorithms, and/or has population frequency not consistent with disease.